The following is an entry in ClinVar:

NM_001367561.1(DOCK7):c.5830_5834dup (p.Pro1946fs)

Gene: DOCK7 (dedicator of cytokinesis 7; minus strand). Cytogenetic location: 1p31.3.
Variant type: Microsatellite.
Coding change: c.5830_5834dup on transcript NM_001367561.1 (MANE Select); coding-DNA positions 5830 to 5834, 5 bases duplicated (TGTAC; older notation c.5830_5834dupTGTAC).
Protein change: p.Pro1946fs; shifts the reading frame from proline 1946.
Molecular consequence: frameshift variant.
Genome position (GRCh38, 1-based): chr1:62,475,834-62,475,838, GTACA duplicated on the plus strand (TGTAC on the coding strand, the reverse complement: DOCK7 is on the minus strand); duplicating any 5 consecutive bases within chr1:62,475,834-62,475,843 gives the same sequence; the c. name uses the placement nearest the transcript's 3' end. VCF-style (leftmost placement, unchanged base first): chr1-62475833-T-TGTACA. GRCh37 (hg19) VCF-style: chr1-62941504-T-TGTACA.
Other names: c.5797_5801dup, p.Pro1935fs (NM_001271999.2); c.5710_5714dup, p.Pro1906fs (NM_001272000.2); c.5704_5708dup, p.Pro1904fs (NM_001272001.2); c.5803_5807dup, p.Pro1937fs (NM_001330614.2); c.5737_5741dup, p.Pro1915fs (NM_033407.4); short protein forms P1906fs, P1937fs, P1915fs, P1946fs, P1904fs, P1935fs.
Identifiers: ClinVar variation 1387497 (VCV001387497.6), dbSNP rs2149259725, ClinGen allele CA2580611452.

ClinVar aggregate classification (germline): Pathogenic (1 of 4 stars; one submission).

Conditions:
Developmental and epileptic encephalopathy, 23 (DEE23). Also called: Epileptic encephalopathy, early infantile, 23. Identifiers: Orphanet 411986, MedGen C4014492, MONDO:0014371, OMIM 615859.

Submission:

Labcorp Genetics (formerly Invitae), Labcorp
Classification: Pathogenic for Developmental and epileptic encephalopathy, 23. Last evaluated: 2021-06-25. Review status: criteria provided, single submitter. Criteria: Invitae Variant Classification Sherloc (09022015). Collection method: clinical testing. Allele origin: germline.
Comment: This sequence change creates a premature translational stop signal (p.Pro1935Valfs*6) in the DOCK7 gene. It is expected to result in an absent or disrupted protein product. Loss-of-function variants in DOCK7 are known to be pathogenic (PMID: 24814191). This variant is not present in population databases (ExAC no frequency). This variant has not been reported in the literature in individuals with DOCK7-related conditions. For these reasons, this variant has been classified as Pathogenic.

Literature cited by the submitters: PubMed 24814191.